The following is an entry in ClinVar:

NM_002069.6(GNAI1):c.995T>G (p.Val332Gly)

Gene: GNAI1 (G protein subunit alpha i1; plus strand). Cytogenetic location: 7q21.11.
Variant type: single nucleotide variant.
Coding change: c.995T>G on transcript NM_002069.6 (MANE Select); coding-DNA position 995, T replaced by G.
Protein change: p.Val332Gly; replaces valine 332 with glycine.
Molecular consequence: missense variant.
Genome position (GRCh38, 1-based): chr7:80,217,423, T>G. VCF-style: chr7-80217423-T-G. GRCh37 (hg19) VCF-style: chr7-79846739-T-G.
Other names: c.839T>G, p.Val280Gly (NM_001256414.2); short protein forms V280G, V332G.
Identifiers: ClinVar variation 4818886 (VCV004818886.1).
Genomic context (GRCh38, chr7:80,217,423, plus strand): 5'-AAAGAAAGGACACAAAGGAAATATACACCCACTTCACATGTGCCACAGATACTAAGAATG[T>G]GCAGTTTGTTTTTGATGCTGTAACAGATGTCATCATAAAAAATAATCTAAAAGATTGTGG-3'
Protein context (NP_002060.4, residues 322-342): HFTCATDTKN[Val332Gly]QFVFDAVTDV

ClinVar aggregate classification (germline): Likely pathogenic (1 of 4 stars; one submission).

Conditions:
Neurodevelopmental disorder with hypotonia, impaired speech, and behavioral abnormalities (NEDHISB). Also called: GNAI1-Related Neurodevelopmental Disorder. Identifiers: MedGen C5676975, MONDO:0859243, OMIM 619854.

Submission:

MVZ Medizinische Genetik Mainz
Classification: Likely pathogenic for Neurodevelopmental disorder with hypotonia, impaired speech, and behavioral abnormalities. Last evaluated: 2026-02-16. Review status: criteria provided, single submitter. Criteria: UK Practice Guidelines For Variant Classification V4 01 2020. Collection method: clinical testing. Allele origin: germline. Inheritance: Autosomal dominant inheritance. Affected: yes. Observed: 1 variant allele.
Comment: ACMG Criteria: PP3_STR,PM5,PM2_SUP,PP2